The following is an entry in ClinVar:

ClinVar aggregate classification (germline): Uncertain significance (1 of 4 stars; one submission).

Submission:

ISCA site 15
Classification: Uncertain significance. Last evaluated: 2011-08-12. Review status: criteria provided, single submitter. Criteria: Kaminsky et al. (Genet Med. 2011). Collection method: clinical testing. Allele origin: unknown. Affected: yes. Observed: 1 variant allele.
Comment: Copy number variation identified through the course of routine clinical cytogenomic testing in postnatal populations. Clinical assertions have been curated as described in Kaminsky et al. 2011.

GRCh38/hg38 5q22.1-22.2(chr5:112161743-112421091)x1

Genes: EPB41L4A (erythrocyte membrane protein band 4.1 like 4A; minus strand), EPB41L4A-AS1 (EPB41L4A antisense RNA 1; plus strand), EPB41L4A-DT (EPB41L4A divergent transcript; plus strand), LOC101927023 (uncharacterized LOC101927023; plus strand), LOC123497953 (Sharpr-MPRA regulatory region 6283; plus strand) and 2 more. Cytogenetic location: 5q22.1-22.2.
Variant type: copy number loss.
Change: copy number 1 (one copy instead of two) of chr5:112,161,743-112,421,091 (259.3 kb, GRCh38 coordinates, 1-based), cytogenetic band 5q22.1-22.2.
Identifiers: ClinVar variation 58789 (VCV000058789.1).